The following is an entry in ClinVar:

ClinVar aggregate classification (germline): Uncertain significance (1 of 4 stars; one submission).

Conditions:
Neurodevelopmental disorder with ataxic gait, absent speech, and decreased cortical white matter. Identifiers: MedGen C4540498, MONDO:0060624, OMIM 617807.

Submission:

Juno Genomics, Hangzhou Juno Genomics, Inc
Classification: Uncertain significance for Neurodevelopmental disorder with ataxic gait, absent speech, and decreased cortical white matter. Review status: criteria provided, single submitter. Criteria: ACMG Guidelines, 2015. Collection method: clinical testing. Allele origin: germline.
Comment: Absent from controls (or at extremely low frequency if recessive) in Genome Aggregation Database.;Multiple lines of computational evidence support a deleterious effect on the gene or gene product.;Missense variant in a gene that has a low rate of benign missense variation.

NM_004218.4(RAB11B):c.211G>A (p.Glu71Lys)

Gene: RAB11B (RAB11B, member RAS oncogene family; plus strand). Cytogenetic location: 19p13.2.
Variant type: single nucleotide variant.
Coding change: c.211G>A on transcript NM_004218.4 (MANE Select); coding-DNA position 211, G replaced by A.
Protein change: p.Glu71Lys; replaces glutamic acid 71 with lysine.
Molecular consequence: missense variant.
Genome position (GRCh38, 1-based): chr19:8,400,033, G>A. VCF-style: chr19-8400033-G-A. GRCh37 (hg19) VCF-style: chr19-8464917-G-A.
Other names: short protein forms E71K.
Identifiers: ClinVar variation 5019494 (VCV005019494.2).